The following is an entry in ClinVar:

ClinVar aggregate classification (germline): Uncertain significance (1 of 4 stars; one submission).

Conditions:
Generalized epilepsy with febrile seizures plus, type 7 (GEFSP7). Also called: GEFS+, TYPE 7. Identifiers: Orphanet 36387, MedGen C2751778, MONDO:0013470, OMIM 613863.
Neuropathy, hereditary sensory and autonomic, type 2A (HSAN2A). Also called: HSAN IIA; ACROOSTEOLYSIS, GIACCAI TYPE; ACROOSTEOLYSIS, NEUROGENIC; NEUROPATHY, CONGENITAL SENSORY; NEUROPATHY, HEREDITARY SENSORY RADICULAR, AUTOSOMAL RECESSIVE; NEUROPATHY, HEREDITARY SENSORY, TYPE IIA. Identifiers: Orphanet 970, MedGen C2752089, MONDO:0024309, OMIM 201300.

Allele frequency attached by ClinVar (database versions not stated): TOPMed below 0.00001; gnomAD exomes 0.00001.
gnomAD v4.1: 8 of 1,602,836 alleles (0.0005%); highest among the groups gnomAD compares: Non-Finnish European, 0.00068%; no homozygotes.

Submission:

Labcorp Genetics (formerly Invitae), Labcorp
Classification: Uncertain significance for Neuropathy, hereditary sensory and autonomic, type 2A; Generalized epilepsy with febrile seizures plus, type 7. Last evaluated: 2023-03-04. Review status: criteria provided, single submitter. Criteria: Invitae Variant Classification Sherloc (09022015). Collection method: clinical testing. Allele origin: germline.
Comment: This sequence change replaces valine, which is neutral and non-polar, with glycine, which is neutral and non-polar, at codon 1565 of the SCN9A protein (p.Val1565Gly). In summary, the available evidence is currently insufficient to determine the role of this variant in disease. Therefore, it has been classified as a Variant of Uncertain Significance. Advanced modeling of protein sequence and biophysical properties (such as structural, functional, and spatial information, amino acid conservation, physicochemical variation, residue mobility, and thermodynamic stability) performed at Invitae indicates that this missense variant is not expected to disrupt SCN9A protein function. ClinVar contains an entry for this variant (Variation ID: 1430223). This variant has not been reported in the literature in individuals affected with SCN9A-related conditions. This variant is present in population databases (no rsID available, gnomAD 0.003%).

NM_001365536.1(SCN9A):c.4727T>G (p.Val1576Gly)

Genes: SCN9A (sodium voltage-gated channel alpha subunit 9; minus strand), SCN1A-AS1 (SCN1A and SCN9A antisense RNA 1; plus strand). Cytogenetic location: 2q24.3.
Variant type: single nucleotide variant.
Coding change: c.4727T>G on transcript NM_001365536.1 (MANE Select); coding-DNA position 4727, T replaced by G.
Protein change: p.Val1576Gly; replaces valine 1576 with glycine.
Molecular consequence: missense variant.
Genome position (GRCh38, 1-based): chr2:166,204,002, A>C on the plus strand (T>G on the coding strand, the complement: SCN9A is on the minus strand). VCF-style: chr2-166204002-A-C. GRCh37 (hg19) VCF-style: chr2-167060512-A-C.
Other names: c.4694T>G, p.Val1565Gly (NM_002977.4); short protein forms V1565G, V1576G.
Identifiers: ClinVar variation 1430223 (VCV001430223.8), dbSNP rs374626800, ClinGen allele CA349057343.